The following is an entry in ClinVar:

NM_001042492.3(NF1):c.3346G>C (p.Asp1116His)

Gene: NF1 (neurofibromin 1; plus strand). Cytogenetic location: 17q11.2.
Variant type: single nucleotide variant.
Coding change: c.3346G>C on transcript NM_001042492.3 (MANE Select); coding-DNA position 3346, G replaced by C.
Protein change: p.Asp1116His; replaces aspartic acid 1116 with histidine.
Molecular consequence: missense variant.
Genome position (GRCh38, 1-based): chr17:31,232,731, G>C. VCF-style: chr17-31232731-G-C. GRCh37 (hg19) VCF-style: chr17-29559749-G-C.
Other names: c.3346G>C, p.Asp1116His (NM_000267.4); short protein forms D1116H.
Identifiers: ClinVar variation 527480 (VCV000527480.5), dbSNP rs1555614932, ClinGen allele CA398989035.

ClinVar aggregate classification (germline): Uncertain significance (1 of 4 stars; one submission).

Conditions:
Neurofibromatosis, type 1 (NF1). Also called: VON RECKLINGHAUSEN DISEASE; NEUROFIBROMATOSIS, TYPE I, SOMATIC; Peripheral type neurofibromatosis; Neurofibromatosis, type I. Identifiers: Orphanet 636, MedGen C0027831, MONDO:0018975, OMIM 162200. Disease mechanism: loss of function.

Submission:

Labcorp Genetics (formerly Invitae), Labcorp
Classification: Uncertain significance for Neurofibromatosis, type 1. Last evaluated: 2017-08-06. Review status: criteria provided, single submitter. Criteria: Invitae Variant Classification Sherloc (09022015). Collection method: clinical testing. Allele origin: germline.
Comment: In summary, the available evidence is currently insufficient to determine the role of this variant in disease. Therefore, it has been classified as a Variant of Uncertain Significance. Algorithms developed to predict the effect of missense changes on protein structure and function do not agree on the potential impact of this missense change (SIFT: "Deleterious"; PolyPhen-2: "Probably Damaging"; Align-GVGD: "Class C0"). This variant has not been reported in the literature in individuals with NF1-related disease. This variant is not present in population databases (ExAC no frequency). This sequence change replaces aspartic acid with histidine at codon 1116 of the NF1 protein (p.Asp1116His). The aspartic acid residue is moderately conserved and there is a moderate physicochemical difference between aspartic acid and histidine.